The following is an entry in ClinVar:

ClinVar aggregate classification (germline): Uncertain significance (1 of 4 stars; one submission).

Allele frequency attached by ClinVar (database versions not stated): gnomAD exomes below 0.00001; TOPMed 0.00002; gnomAD 0.00003.
gnomAD v4.1: 6 of 1,596,812 alleles (0.00038%); highest among the groups gnomAD compares: African/African-American, 0.0054%; no homozygotes.

Submission:

Labcorp Genetics (formerly Invitae), Labcorp
Classification: Uncertain significance. Last evaluated: 2024-02-24. Review status: criteria provided, single submitter. Criteria: Invitae Variant Classification Sherloc (09022015). Collection method: clinical testing. Allele origin: germline.
Comment: This sequence change replaces leucine, which is neutral and non-polar, with valine, which is neutral and non-polar, at codon 745 of the LIG1 protein (p.Leu745Val). This variant is not present in population databases (gnomAD no frequency). This variant has not been reported in the literature in individuals affected with LIG1-related conditions. ClinVar contains an entry for this variant (Variation ID: 2421450). An algorithm developed to predict the effect of missense changes on protein structure and function (PolyPhen-2) suggests that this variant is likely to be disruptive. In summary, the available evidence is currently insufficient to determine the role of this variant in disease. Therefore, it has been classified as a Variant of Uncertain Significance.

NM_000234.3(LIG1):c.2233C>G (p.Leu745Val)

Gene: LIG1 (DNA ligase 1; minus strand). Cytogenetic location: 19q13.33.
Variant type: single nucleotide variant.
Coding change: c.2233C>G on transcript NM_000234.3 (MANE Select); coding-DNA position 2233, C replaced by G.
Protein change: p.Leu745Val; replaces leucine 745 with valine.
Molecular consequence: missense variant. On other transcripts: non-coding transcript variant (6).
Genome position (GRCh38, 1-based): chr19:48,121,322, G>C on the plus strand (C>G on the coding strand, the complement: LIG1 is on the minus strand). VCF-style: chr19-48121322-G-C. GRCh37 (hg19) VCF-style: chr19-48624579-G-C.
Other names: c.2140C>G, p.Leu714Val (NM_001289063.2); c.2029C>G, p.Leu677Val (NM_001289064.2); c.2230C>G, p.Leu744Val (NM_001320970.2); c.2143C>G, p.Leu715Val (NM_001320971.2); short protein forms L677V, L714V, L715V, L744V, L745V.
Identifiers: ClinVar variation 2421450 (VCV002421450.5), dbSNP rs1040293485, ClinGen allele CA309280815.
Genomic context (GRCh38, chr19:48,121,322, plus strand): 5'-AGGCGCCGATCACCACCAGGTCCAGGGTGTCACCCACGCCATCAAGGTAGTCCTTCTTCA[G>C]CTGGGAGAAGGGGAGGCAAGAGATGAGAAGGGGGAGCGCCCAAGGCGGGGCCCTCACTGC-3'
Protein context (NP_000225.1, residues 735-755): IAKRSHNWLK[Leu745Val]KKDYLDGVGD